The following is an entry in ClinVar:

NM_000179.3(MSH6):c.1190_1191dup (p.Val398fs)

Gene: MSH6 (mutS homolog 6; plus strand). Cytogenetic location: 2p16.3.
Variant type: Duplication.
Coding change: c.1190_1191dup on transcript NM_000179.3 (MANE Select); coding-DNA positions 1190 to 1191, 2 bases duplicated (AT; older notation c.1190_1191dupAT).
Protein change: p.Val398fs; shifts the reading frame from valine 398.
Molecular consequence: frameshift variant.
Genome position (GRCh38, 1-based): chr2:47,799,173-47,799,174, AT duplicated; duplicating any 2 consecutive bases within chr2:47,799,172-47,799,174 gives the same sequence; the c. name uses the placement nearest the transcript's 3' end. VCF-style (leftmost placement, unchanged base first): chr2-47799171-C-CTA. GRCh37 (hg19) VCF-style: chr2-48026310-C-CTA.
Other names: c.800_801dup, p.Val268fs (NM_001281492.2); c.284_285dup, p.Val96fs (NM_001281493.2, NM_001281494.2); c.1190_1191dupAT (NM_000179.2); short protein forms V268fs, V398fs, V96fs.
Identifiers: ClinVar variation 428301 (VCV000428301.6), dbSNP rs63750439, ClinGen allele CA645369239.

ClinVar aggregate classification (germline): Pathogenic (1 of 4 stars; one submission).

Conditions:
Hereditary cancer-predisposing syndrome. Also called: Hereditary Cancer Syndrome; Neoplastic Syndromes, Hereditary; Hereditary neoplastic syndrome; Tumor predisposition. Identifiers: Orphanet 140162, MedGen C0027672, MeSH D009386, MONDO:0015356.

Submission:

Ambry Genetics
Classification: Pathogenic for Hereditary cancer-predisposing syndrome. Last evaluated: 2024-04-02. Review status: criteria provided, single submitter. Criteria: Ambry Variant Classification Scheme 2023. Collection method: clinical testing. Allele origin: germline.
Comment: The c.1190_1191dupAT pathogenic mutation, located in coding exon 4 of the MSH6 gene, results from a duplication of AT at nucleotide position 1190, causing a translational frameshift with a predicted alternate stop codon (p.V398Mfs*14). This alteration is expected to result in loss of function by premature protein truncation or nonsense-mediated mRNA decay. As such, this alteration is interpreted as a disease-causing mutation.